The following is an entry in ClinVar:

NM_000540.3(RYR1):c.427G>A (p.Glu143Lys)

Gene: RYR1 (ryanodine receptor 1; plus strand). Cytogenetic location: 19q13.2.
Variant type: single nucleotide variant.
Coding change: c.427G>A on transcript NM_000540.3 (MANE Select); coding-DNA position 427, G replaced by A.
Protein change: p.Glu143Lys; replaces glutamic acid 143 with lysine.
Molecular consequence: missense variant.
Genome position (GRCh38, 1-based): chr19:38,444,151, G>A. VCF-style: chr19-38444151-G-A. GRCh37 (hg19) VCF-style: chr19-38934791-G-A.
Other names: c.427G>A, p.Glu143Lys (NM_001042723.2); short protein forms E143K.
Identifiers: ClinVar variation 3605203 (VCV003605203.2).

ClinVar aggregate classification (germline): Uncertain significance (1 of 4 stars; one submission).

Conditions:
RYR1-related disorder. Also called: RYR1-related condition; RYR1-related disorders. Identifiers: MedGen CN239331.

Submission:

Labcorp Genetics (formerly Invitae), Labcorp
Classification: Uncertain significance for RYR1-related disorder. Last evaluated: 2024-05-13. Review status: criteria provided, single submitter. Criteria: Invitae Variant Classification Sherloc (09022015). Collection method: clinical testing. Allele origin: germline.
Comment: This sequence change replaces glutamic acid, which is acidic and polar, with lysine, which is basic and polar, at codon 143 of the RYR1 protein (p.Glu143Lys). This variant is not present in population databases (gnomAD no frequency). This variant has not been reported in the literature in individuals affected with RYR1-related conditions. An algorithm developed to predict the effect of missense changes on protein structure and function (PolyPhen-2) suggests that this variant is likely to be disruptive. In summary, the available evidence is currently insufficient to determine the role of this variant in disease. Therefore, it has been classified as a Variant of Uncertain Significance.